The following is an entry in ClinVar:

NM_032242.4(PLXNA1):c.3909G>A (p.Leu1303=)

Gene: PLXNA1 (plexin A1; plus strand). Cytogenetic location: 3q21.3.
Variant type: single nucleotide variant.
Coding change: c.3909G>A on transcript NM_032242.4 (MANE Select); coding-DNA position 3909, G replaced by A.
Protein change: p.Leu1303=; no amino-acid change (leucine 1303 retained).
Molecular consequence: synonymous variant.
Genome position (GRCh38, 1-based): chr3:127,020,215, G>A. VCF-style: chr3-127020215-G-A. GRCh37 (hg19) VCF-style: chr3-126739058-G-A.
Identifiers: ClinVar variation 3358010 (VCV003358010.1).

ClinVar aggregate classification (germline): Likely benign (0 of 4 stars; one submission).

Conditions:
PLXNA1-related disorder. Also called: PLXNA1-related condition.

gnomAD v4.1: 27 of 1,612,866 alleles (0.0017%); highest among the groups gnomAD compares: Non-Finnish European, 0.0021%; no homozygotes.

Submission:

PreventionGenetics, part of Exact Sciences
Classification: Likely benign for PLXNA1-related condition. Last evaluated: 2023-06-19. Review status: no assertion criteria provided. Collection method: clinical testing. Allele origin: germline.
Comment: This variant is classified as likely benign based on ACMG/AMP sequence variant interpretation guidelines (Richards et al. 2015 PMID: 25741868, with internal and published modifications).